The following is an entry in ClinVar:

NM_001370259.2(MEN1):c.795G>A (p.Trp265Ter)

Gene: MEN1 (menin 1; minus strand). Cytogenetic location: 11q13.1.
Variant type: single nucleotide variant.
Coding change: c.795G>A on transcript NM_001370259.2 (MANE Select); coding-DNA position 795, G replaced by A.
Protein change: p.Trp265Ter; replaces tryptophan 265 with a stop codon.
Molecular consequence: nonsense.
Genome position (GRCh38, 1-based): chr11:64,807,208, C>T on the plus strand (G>A on the coding strand, the complement: MEN1 is on the minus strand). VCF-style: chr11-64807208-C-T. GRCh37 (hg19) VCF-style: chr11-64574680-C-T.
Other names: c.810G>A, p.Trp270Ter (NM_000244.4, NM_130800.3, NM_130801.3 and 3 more transcripts); c.795G>A, p.Trp265Ter (NM_001370251.2, NM_001370260.2, NM_001370261.2 and 1 more transcripts); c.690G>A, p.Trp230Ter (NM_001370262.2, NM_001370263.2); short protein forms W230*, W265*, W270*.
Identifiers: ClinVar variation 653034 (VCV000653034.10), dbSNP rs1592647398, ClinGen allele CA381183963.
Genomic context (GRCh38, chr11:64,807,208, plus strand): 5'-AGGCGCAGCCTGGCCACTTCCCTCTACTGACCTTTCCAGATGTCCCAGGTCATAGAGCAG[C>T]CAGAGCAGCTTCTAGGAGCCGAAGGAGAGAGTTATGAGCCACGGAACAGGGAGGAGAACG-3'

ClinVar aggregate classification (germline): Pathogenic. Review status: criteria provided, multiple submitters, no conflicts (2 of 4 stars). 2 submissions from 2 submitters: Pathogenic (2). Last evaluated 2018-12-26.

Conditions:
Multiple endocrine neoplasia, type 1 (MEN1). Also called: Endocrine adenomatosis multiple; MEN 1; MEA I; MEN I; WERMER SYNDROME. Identifiers: Orphanet 652, MedGen C0025267, MeSH D018761, MONDO:0007540, OMIM 131100.

Submissions (2):

Labcorp Genetics (formerly Invitae), Labcorp
Classification: Pathogenic for Multiple endocrine neoplasia, type 1. Last evaluated: 2018-12-26. Review status: criteria provided, single submitter. Criteria: Invitae Variant Classification Sherloc (09022015). Collection method: clinical testing. Allele origin: germline.
Comment: This sequence change creates a premature translational stop signal (p.Trp265*) in the MEN1 gene. It is expected to result in an absent or disrupted protein product. This variant is not present in population databases (ExAC no frequency). This nonsense change has been observed to be de novo in an affected with multiple endocrine neoplasia, type 1 (PMID: 9215689). It has also been observed in an individual affected with hyperparathyroidism and thymus carcinoids (PMID: 10849016). Loss-of-function variants in MEN1 are known to be pathogenic (PMID: 12112656, 17853334). For these reasons, this variant has been classified as Pathogenic.

Clinical Genetics and Genomics, Karolinska University Hospital
Classification: Pathogenic. Last evaluated: 2016-05-19. Review status: criteria provided, single submitter. Criteria: ACMG Guidelines, 2015. Collection method: clinical testing. Allele origin: germline. Affected: yes. Observed: 1 variant allele.

Literature cited by the submitters: PubMed 9215689 (cited by Labcorp Genetics (formerly Invitae), Labcorp); PubMed 10849016 (cited by Labcorp Genetics (formerly Invitae), Labcorp); PubMed 12112656 (cited by Labcorp Genetics (formerly Invitae), Labcorp); PubMed 17853334 (cited by Labcorp Genetics (formerly Invitae), Labcorp).